The following is an entry in ClinVar:

NM_006662.3(SRCAP):c.3263C>G (p.Ser1088Cys)

Gene: SRCAP (Snf2 related CREBBP activator protein; plus strand). Cytogenetic location: 16p11.2.
Variant type: single nucleotide variant.
Coding change: c.3263C>G on transcript NM_006662.3 (MANE Select); coding-DNA position 3263, C replaced by G.
Protein change: p.Ser1088Cys; replaces serine 1088 with cysteine.
Molecular consequence: missense variant.
Genome position (GRCh38, 1-based): chr16:30,721,198, C>G. VCF-style: chr16-30721198-C-G. GRCh37 (hg19) VCF-style: chr16-30732519-C-G.
Other names: short protein forms S1088C.
Identifiers: ClinVar variation 3646782 (VCV003646782.2).

ClinVar aggregate classification (germline): Uncertain significance (1 of 4 stars; one submission).

gnomAD v4.1: 1 of 1,605,754 alleles (0.000062%); highest among the groups gnomAD compares: Admixed American, 0.0017%; no homozygotes.

Submission:

Labcorp Genetics (formerly Invitae), Labcorp
Classification: Uncertain significance. Last evaluated: 2024-12-17. Review status: criteria provided, single submitter. Criteria: Invitae Variant Classification Sherloc (09022015). Collection method: clinical testing. Allele origin: germline.
Comment: This sequence change replaces serine, which is neutral and polar, with cysteine, which is neutral and slightly polar, at codon 1088 of the SRCAP protein (p.Ser1088Cys). This variant is not present in population databases (gnomAD no frequency). This variant has not been reported in the literature in individuals affected with SRCAP-related conditions. Invitae Evidence Modeling of protein sequence and biophysical properties (such as structural, functional, and spatial information, amino acid conservation, physicochemical variation, residue mobility, and thermodynamic stability) indicates that this missense variant is not expected to disrupt SRCAP protein function with a negative predictive value of 80%. In summary, the available evidence is currently insufficient to determine the role of this variant in disease. Therefore, it has been classified as a Variant of Uncertain Significance.